The following is an entry in ClinVar:

ClinVar aggregate classification (germline): Likely benign (0 of 4 stars; one submission).

Conditions:
PML-related disorder. Also called: PML-related condition.

Allele frequency attached by ClinVar (database versions not stated): gnomAD exomes 0.00013; ExAC 0.00042; 1000 Genomes Project 0.00060; 1000 Genomes Project 30x 0.00062; gnomAD 0.00135; TOPMed 0.00150; ESP Exome Variant Server 0.00193.
gnomAD v4.1: 397 of 1,610,704 alleles (0.025%); highest among the groups gnomAD compares: African/African-American, 0.47%; 2 homozygotes.

Submission:

PreventionGenetics, part of Exact Sciences
Classification: Likely benign for PML-related condition. Last evaluated: 2019-11-20. Review status: no assertion criteria provided. Collection method: clinical testing. Allele origin: germline.
Comment: This variant is classified as likely benign based on ACMG/AMP sequence variant interpretation guidelines (Richards et al. 2015 PMID: 25741868, with internal and published modifications).

NM_033238.3(PML):c.1710+1029G>A

Gene: PML (PML nuclear body scaffold; plus strand). Cytogenetic location: 15q24.1.
Variant type: single nucleotide variant.
Coding change: c.1710+1029G>A on transcript NM_033238.3 (MANE Select); 1029 bases into the intron after coding-DNA position 1710, G replaced by A.
Molecular consequence: intron variant. On other transcripts: missense variant (3), 3 prime UTR variant (2).
Genome position (GRCh38, 1-based): chr15:74,035,559, G>A. VCF-style: chr15-74035559-G-A. GRCh37 (hg19) VCF-style: chr15-74327900-G-A.
Other names: c.2098G>A, p.Gly700Arg (NM_033239.3); c.*903G>A (NM_033240.3); c.2083G>A, p.Gly695Arg (NM_033242.2); c.*423G>A (NM_033244.4); c.*888G>A (NM_033245.2); c.1954G>A, p.Gly652Arg (NM_033250.3); c.1710+1029G>A (NM_002675.4); c.1566+1029G>A (NM_033249.3); and 2 more; short protein forms G652R, G695R, G700R.
Identifiers: ClinVar variation 3039227 (VCV003039227.2), dbSNP rs148636537, ClinGen allele CA7652811.